The following is an entry in ClinVar:

NM_004415.4(DSP):c.2359T>A (p.Tyr787Asn)

Gene: DSP (desmoplakin; plus strand). Cytogenetic location: 6p24.3.
Variant type: single nucleotide variant.
Coding change: c.2359T>A on transcript NM_004415.4 (MANE Select); coding-DNA position 2359, T replaced by A.
Protein change: p.Tyr787Asn; replaces tyrosine 787 with asparagine.
Molecular consequence: missense variant.
Genome position (GRCh38, 1-based): chr6:7,574,718, T>A. VCF-style: chr6-7574718-T-A. GRCh37 (hg19) VCF-style: chr6-7574951-T-A.
Other names: c.2359T>A, p.Tyr787Asn (NM_001008844.3, NM_001319034.2); short protein forms Y787N.
Identifiers: ClinVar variation 3386643 (VCV003386643.1).

ClinVar aggregate classification (germline): Uncertain significance (1 of 4 stars; one submission).

Conditions:
Arrhythmogenic cardiomyopathy with wooly hair and keratoderma. Also called: Carvajal syndrome; PALMOPLANTAR KERATODERMA WITH LEFT VENTRICULAR CARDIOMYOPATHY AND WOOLLY HAIR; Dilated cardiomyopathy with woolly hair and keratoderma; Arrhythmogenic cardiomyopathy with woolly hair and keratoderma. Identifiers: Orphanet 65282, MedGen C1854063, MONDO:0011581, OMIM 605676.

Submission:

All of Us Research Program, National Institutes of Health
Classification: Uncertain significance for Arrhythmogenic cardiomyopathy with wooly hair and keratoderma. Last evaluated: 2024-03-05. Review status: criteria provided, single submitter. Criteria: ACMG Guidelines, 2015. Collection method: clinical testing. Allele origin: germline. Inheritance: Autosomal dominant inheritance. Observed: 1 variant allele, 1 heterozygote.
Comment: This study involves interpretation of variants in research participants for the purpose of population health screening. Participant phenotype was not available at the time of variant classification. Additional details can be found in publication PMID: 35346344, PMCID: PMC8962531